The following is an entry in ClinVar:

NM_000434.4(NEU1):c.239C>T (p.Pro80Leu)

Gene: NEU1 (neuraminidase 1; minus strand). Cytogenetic location: 6p21.33.
Variant type: single nucleotide variant.
Coding change: c.239C>T on transcript NM_000434.4 (MANE Select); coding-DNA position 239, C replaced by T.
Protein change: p.Pro80Leu; replaces proline 80 with leucine.
Molecular consequence: missense variant.
Genome position (GRCh38, 1-based): chr6:31,862,112, G>A on the plus strand (C>T on the coding strand, the complement: NEU1 is on the minus strand). VCF-style: chr6-31862112-G-A. GRCh37 (hg19) VCF-style: chr6-31829889-G-A.
Other names: short protein forms P80L.
Identifiers: ClinVar variation 2452 (VCV000002452.8), dbSNP rs104893985, ClinGen allele CA212562.
Genomic context (GRCh38, chr6:31,862,112, plus strand): 5'-GACATTTTCCTCGCCTCAGCAAAGGCGAGAAGAGTGCCCCGCGGAGTGGCTGTGATGAGC[G>A]GGATGCGGAAGGTGTCCACTGAGCCGATCTGTCTCCCGCTCACCCACAGCAGTTGCTCCA-3'
Protein context (NP_000425.1, residues 70-90): QIGSVDTFRI[Pro80Leu]LITATPRGTL

ClinVar aggregate classification (germline): Pathogenic. Review status: criteria provided, multiple submitters, no conflicts (2 of 4 stars). 4 submissions from 4 submitters: Pathogenic (3). 1 of the submissions does not count toward it. Last evaluated 2025-07-09.

Conditions:
Sialidosis type 2. Also called: NEURAMINIDASE DEFICIENCY; GLYCOPROTEIN NEURAMINIDASE DEFICIENCY; SIALIDASE DEFICIENCY; SIALIDOSIS, TYPE II; LIPOMUCOPOLYSACCHARIDOSIS; ML I. Identifiers: Orphanet 812, Orphanet 87876, MedGen C4282398, MONDO:0009738, OMIM 256550.

Allele frequency attached by ClinVar (database versions not stated): gnomAD 0.00001; TOPMed 0.00001; gnomAD exomes 0.00002; ExAC 0.00003.

Submissions (4):

Labcorp Genetics (formerly Invitae), Labcorp
Classification: Pathogenic. Last evaluated: 2025-07-09. Review status: criteria provided, single submitter. Criteria: Invitae Variant Classification Sherloc (09022015). Collection method: clinical testing. Allele origin: germline.
Comment: This sequence change replaces proline, which is neutral and non-polar, with leucine, which is neutral and non-polar, at codon 80 of the NEU1 protein (p.Pro80Leu). This variant is present in population databases (rs104893985, gnomAD 0.02%). This missense change has been observed in individual(s) with sialidosis (PMID: 11829139, 23291686, 32472645, 34476202). It has also been observed to segregate with disease in related individuals. ClinVar contains an entry for this variant (Variation ID: 2452). Invitae Evidence Modeling of protein sequence and biophysical properties (such as structural, functional, and spatial information, amino acid conservation, physicochemical variation, residue mobility, and thermodynamic stability) indicates that this missense variant is expected to disrupt NEU1 protein function with a positive predictive value of 80%. Experimental studies have shown that this missense change affects NEU1 function (PMID: 11829139). For these reasons, this variant has been classified as Pathogenic.

Obstetrics Unit, Tongji Hospital, Huazhong University of Science and Technology
Classification: Pathogenic for Sialidosis type 2. Last evaluated: 2024-12-25. Review status: criteria provided, single submitter. Criteria: ACMG Guidelines, 2015. Collection method: clinical testing. Allele origin: biparental. Affected: yes.
Comment: NEUI:NM_000434.4:exon2:c.239C>Tp.P80L variant:pathogenic (PM3_VeryStrong+PM2+PP3) Extremely strong evidence of pathogenicity PM3_VenySuong:Subject is a purely synonymous variant; a purely synonymous variant at this locus was detected in two patients with salivary acid storage disease type 2 in the literature [PMID: 23433491.25223955]; a potentially pathogenic variant was detected at the trans position of this variant in multiple patients with sleeping acid storage disease type 1 in the literature [PMID. 31743419;32472645]. Moderate evidence of pathogenicity PM2:This variant was not detected in the reference population 1,000 Genomes (1000G), and the frequencies in the Human Exome Database (ExAC), and the Population Genome Mutation Frequency Database (gnomAD) were 0.00093423, 2.59650337545439c-05, and 0.000273793. Supporting evidence of pathogenicity PP3: Predicted by multiple statistical methods (REVEL), the results show that the variant causes deleterious effects on the gene or gene product; the known variant is rated as P in the ClimVar datamo; the known variant is rated as DMIPMID in the HGMD database 32472645:32453490- 31743419.31216804:252239551. Disease Characterization and Phenotypic Compatibility with this Case:Partial Compatibility Mutations in the gene NEUI (OMIM:608272) cause the autosomal recessive disorder Sinlidosis.typel (sialidosis type I) (OMIM:256550) and the autosomal recessive disorder Sialidosis,type IIl (sialidosis type II) (OMIM: 256550), according to a public database search. 256550).

Juno Genomics, Hangzhou Juno Genomics, Inc
Classification: Pathogenic for Sialidosis type 2. Review status: criteria provided, single submitter. Criteria: ACMG Guidelines, 2015. Collection method: clinical testing. Allele origin: germline.
Comment: Absent from controls (or at extremely low frequency if recessive) in Genome Aggregation Database.;Multiple lines of computational evidence support a deleterious effect on the gene or gene product.;For recessive disorders, detected in trans with a pathogenic variant.

OMIM
Classification: Pathogenic for SIALIDOSIS, TYPE II. Last evaluated: 2002-01-01. Review status: no assertion criteria provided. Collection method: literature only. Allele origin: germline. Not counted in ClinVar's aggregate classification.

Literature cited by the submitters: PubMed 11829139 (cited by Labcorp Genetics (formerly Invitae), Labcorp and OMIM); PubMed 23291686 (cited by Labcorp Genetics (formerly Invitae), Labcorp); PubMed 32472645 (cited by Labcorp Genetics (formerly Invitae), Labcorp); PubMed 34476202 (cited by Labcorp Genetics (formerly Invitae), Labcorp).